The following is an entry in ClinVar:

NM_198904.4(GABRG2):c.1007A>G (p.Asp336Gly)

Gene: GABRG2 (gamma-aminobutyric acid type A receptor subunit gamma2; plus strand). Cytogenetic location: 5q34.
Variant type: single nucleotide variant.
Coding change: c.1007A>G on transcript NM_198904.4 (MANE Select); coding-DNA position 1007, A replaced by G.
Protein change: p.Asp336Gly; replaces aspartic acid 336 with glycine.
Molecular consequence: missense variant. On other transcripts: intron variant (1).
Genome position (GRCh38, 1-based): chr5:162,149,192, A>G. VCF-style: chr5-162149192-A-G. GRCh37 (hg19) VCF-style: chr5-161576198-A-G.
Other names: c.1007A>G, p.Asp336Gly (NM_000816.3); c.998A>G, p.Asp333Gly (NM_001375339.1); c.1004A>G, p.Asp335Gly (NM_001375341.1, NM_001375342.1); c.1127A>G, p.Asp376Gly (NM_001375343.1, NM_198903.2); c.1046A>G, p.Asp349Gly (NM_001375344.1); c.941A>G, p.Asp314Gly (NM_001375345.1, NM_001375346.1); c.920A>G, p.Asp307Gly (NM_001375347.1); c.587A>G, p.Asp196Gly (NM_001375348.1, NM_001375350.1); and 2 more; short protein forms D336G, D376G, D196G, D241G, D307G, D314G, D333G, D335G.
Identifiers: ClinVar variation 408214 (VCV000408214.9), dbSNP rs1060501890, ClinGen allele CA16612026.
Genomic context (GRCh38, chr5:162,149,192, plus strand): 5'-CCACCCTCAGCACCATTGCCCGGAAATCGCTCCCCAAGGTCTCCTATGTCACAGCGATGG[A>G]TCTCTTTGTATCTGTTTGTTTCATCTTTGTCTTCTCTGCTCTGGTGGAGTATGGCACCTT-3'
Protein context (NP_944494.1, residues 326-346): LPKVSYVTAM[Asp336Gly]LFVSVCFIFV

ClinVar aggregate classification (germline): Uncertain significance (1 of 4 stars; one submission).

Conditions:
Febrile seizures, familial, 8 (FEB8). Also called: CONVULSIONS, FAMILIAL FEBRILE, 8. Identifiers: Orphanet 36387, MedGen C1969810, MONDO:0011891, OMIM 607681.
EPILEPSY, CHILDHOOD ABSENCE, SUSCEPTIBILITY TO, 2 (ECA2). Identifiers: Orphanet 64280, MedGen C1843244, OMIM 607681.

Submission:

Labcorp Genetics (formerly Invitae), Labcorp
Classification: Uncertain significance for Febrile seizures, familial, 8; EPILEPSY, CHILDHOOD ABSENCE, SUSCEPTIBILITY TO, 2. Last evaluated: 2016-07-10. Review status: criteria provided, single submitter. Criteria: Invitae Variant Classification Sherloc (09022015). Collection method: clinical testing. Allele origin: germline.
Comment: This variant is not present in population databases (ExAC no frequency) and has not been reported in the literature in individuals with a GABRG2-related disease. In summary, this variant is a novel missense change with uncertain impact on protein function. It has been classified as a Variant of Uncertain Significance. Algorithms developed to predict the effect of missense changes on protein structure and function (SIFT, PolyPhen-2, Align-GVGD) all suggest that this variant is likely to be disruptive, but these predictions have not been confirmed by published functional studies. This sequence change replaces aspartic acid with glycine at codon 336 of the GABRG2 protein (p.Asp336Gly). The aspartic acid residue is highly conserved and there is a moderate physicochemical difference between aspartic acid and glycine.